The following is an entry in ClinVar:

ClinVar aggregate classification (germline): Conflicting classifications of pathogenicity. Review status: criteria provided, conflicting classifications (1 of 4 stars). 5 submissions from 5 submitters: Uncertain significance (1); Benign (1); Likely benign (1). 2 of the submissions do not count toward it. Last evaluated 2025-11-01.

Conditions:
Myeloperoxidase deficiency (MPOD). Also called: MPO DEFICIENCY; Myeloperoxidase deficiency syndrome. Identifiers: Orphanet 2587, MedGen C0398595, MONDO:0009694, OMIM 254600.

Allele frequency attached by ClinVar (database versions not stated): 1000 Genomes Project 30x 0.00453; 1000 Genomes Project 0.00459; TOPMed 0.00818; gnomAD 0.01134 and 0.01176; gnomAD exomes 0.01240 and 0.01480; ExAC 0.01326.
gnomAD v4.1: 23,030 of 1,613,622 alleles (1.4%); highest among the groups gnomAD compares: Non-Finnish European, 1.6%; 253 homozygotes.

Submissions (5):

CeGaT Center for Human Genetics Tuebingen
Classification: Benign. Last evaluated: 2025-11-01. Review status: criteria provided, single submitter. Criteria: CeGaT Center For Human Genetics Tuebingen Variant Classification Criteria Version 2. Collection method: clinical testing. Allele origin: germline. Affected: yes. Observed: 4 variant alleles.
Comment: MPO: BS1, BS2

Mendelics
Classification: Uncertain significance for Myeloperoxidase deficiency. Last evaluated: 2019-05-28. Review status: criteria provided, single submitter. Criteria: Mendelics Assertion Criteria 2017. Collection method: clinical testing. Allele origin: unknown.

Broad Center for Mendelian Genomics, Broad Institute of MIT and Harvard
Classification: Likely benign for Myeloperoxidase deficiency. Review status: criteria provided, single submitter. Criteria: ACMG Guidelines, 2015. Collection method: research. Allele origin: germline. Inheritance: Autosomal recessive inheritance. Affected: yes.
Comment: The heterozygous p.Ala332Val variant in MPO has been identified in 2 individuals with myeloperoxidase deficiency (PMID: 15108282), but has also been identified in >4% of European (Finnish) chromosomes and 27 homozygotes by ExAC. In summary, although additional studies are required to fully establish its clinical significance, this variant meets criteria to be classified as likely benign for autosomal recessive myeloperoxidase deficiency.

Reproductive Health Research and Development, BGI Genomics
Classification: Uncertain significance for Myeloperoxidase deficiency. Last evaluated: 2020-01-06. Review status: no assertion criteria provided. Collection method: curation. Allele origin: germline. Not counted in ClinVar's aggregate classification.
Comment: NM_000250.1:c.995C>T in the MPO gene has an allele frequency of 0.043 in European (Finnish) subpopulation in the gnomAD database. Mutations in the MPO gene lead to Hereditary myeloperoxidase (MPO) deficiency in an autosomal recessive manner. Although a number of 45 homozygous occurrences is observed in the gnomAD database, the majority patients with myeloperoxidase deficiency are asymptomatic clinically except if they are also diabetic. Therefore we determined not to adapt this as a strong benign evidence. Marchetti et al. identified a individual with a partial myeloperoxidase deficiency, harboring the compound heterozygote for this variant and c.1715T>G (PMID: 15108282). Conservatively, we interpret it as variant of uncertain significance (VUS). ACMG/AMP criteria applied: PM3, PP4, BS1.

OMIM
Classification: Pathogenic for MYELOPEROXIDASE DEFICIENCY. Last evaluated: 2004-05-01. Review status: no assertion criteria provided. Collection method: literature only. Allele origin: germline. Not counted in ClinVar's aggregate classification.

Literature cited by the submitters: PubMed 15108282 (cited by OMIM).

NM_000250.2(MPO):c.995C>T (p.Ala332Val)

Gene: MPO (myeloperoxidase; minus strand). Cytogenetic location: 17q22.
Variant type: single nucleotide variant.
Coding change: c.995C>T on transcript NM_000250.2 (MANE Select); coding-DNA position 995, C replaced by T.
Protein change: p.Ala332Val; replaces alanine 332 with valine.
Molecular consequence: missense variant.
Genome position (GRCh38, 1-based): chr17:58,278,036, G>A on the plus strand (C>T on the coding strand, the complement: MPO is on the minus strand). VCF-style: chr17-58278036-G-A. GRCh37 (hg19) VCF-style: chr17-56355397-G-A.
Other names: c.995C>T, p.Ala332Val (LRG_84t1); short protein forms A332V.
Identifiers: ClinVar variation 3630 (VCV000003630.34), dbSNP rs28730837, ClinGen allele CA116387.